The following is an entry in ClinVar:

NM_003900.5(SQSTM1):c.755-9C>T

Gene: SQSTM1 (sequestosome 1; plus strand). Cytogenetic location: 5q35.3.
Variant type: single nucleotide variant.
Coding change: c.755-9C>T on transcript NM_003900.5 (MANE Select); 9 bases into the intron before coding-DNA position 755, C replaced by T.
Molecular consequence: intron variant.
Genome position (GRCh38, 1-based): chr5:179,833,023, C>T. VCF-style: chr5-179833023-C-T. GRCh37 (hg19) VCF-style: chr5-179260023-C-T.
Other names: c.503-9C>T (NM_001142298.2, NM_001142299.2).
Identifiers: ClinVar variation 706331 (VCV000706331.10), dbSNP rs759140266, ClinGen allele CA3600663.
Genomic context (GRCh38, chr5:179,833,023, plus strand): 5'-CCAAGCTCCTGCTTGCAGGTGCATCCTTGGGGGAACTTCACGGCTTGCTCTTTCCTCCTC[C>T]GCCTCTAGGCATTGAAGTTGATATCGATGTGGAGCACGGAGGGAAAAGAAGCCGCCTGAC-3'

ClinVar aggregate classification (germline): Likely benign. Review status: criteria provided, single submitter (1 of 4 stars). 2 submissions from 2 submitters: Likely benign (1). 1 of the submissions does not count toward it. Last evaluated 2025-12-01.

Conditions:
SQSTM1-related disorder. Also called: SQSTM1-Related Disorders.
Frontotemporal dementia and/or amyotrophic lateral sclerosis 1 (FTDALS1). Also called: Frontotemporal dementia with motor neuron disease 1; C9orf72 Frontotemporal Dementia and/or Amyotrophic Lateral Sclerosis. Identifiers: Orphanet 275872, MedGen C5779877, MONDO:0007105, OMIM 105550.
Paget disease of bone 2, early-onset (PDB2). Also called: Paget disease of bone 2. Identifiers: MedGen C4085251, MONDO:0011183, OMIM 602080.

Allele frequency attached by ClinVar (database versions not stated): gnomAD 0.00001; ExAC 0.00002; gnomAD exomes 0.00003 and 0.00004; TOPMed 0.00003.
gnomAD v4.1: 56 of 1,613,936 alleles (0.0035%); highest among the groups gnomAD compares: Middle Eastern, 0.049%; no homozygotes.

Submissions (2):

Labcorp Genetics (formerly Invitae), Labcorp
Classification: Likely benign for Paget disease of bone 2, early-onset; Frontotemporal dementia and/or amyotrophic lateral sclerosis 1. Last evaluated: 2025-12-01. Review status: criteria provided, single submitter. Criteria: Invitae Variant Classification Sherloc (09022015). Collection method: clinical testing. Allele origin: germline.

PreventionGenetics, part of Exact Sciences
Classification: Likely benign for SQSTM1-related condition. Last evaluated: 2019-06-13. Review status: no assertion criteria provided. Collection method: clinical testing. Allele origin: germline. Not counted in ClinVar's aggregate classification.
Comment: This variant is classified as likely benign based on ACMG/AMP sequence variant interpretation guidelines (Richards et al. 2015 PMID: 25741868, with internal and published modifications).